The following is an entry in ClinVar:

NM_032447.5(FBN3):c.6881-7T>C

Gene: FBN3 (fibrillin 3; minus strand). Cytogenetic location: 19p13.2.
Variant type: single nucleotide variant.
Coding change: c.6881-7T>C on transcript NM_032447.5 (MANE Select); 7 bases into the intron before coding-DNA position 6881, T replaced by C.
Molecular consequence: intron variant.
Genome position (GRCh38, 1-based): chr19:8,085,576, A>G on the plus strand (T>C on the coding strand, the complement: FBN3 is on the minus strand). VCF-style: chr19-8085576-A-G. GRCh37 (hg19) VCF-style: chr19-8150460-A-G.
Other names: c.6881-7T>C (NM_001321431.2, NM_001321431.1).
Identifiers: ClinVar variation 727447 (VCV000727447.11), dbSNP rs79972119, ClinGen allele CA9151067.
Genomic context (GRCh38, chr19:8,085,576, plus strand): 5'-GAGACCGGCACATGGTCTGCAGCACCTCGGCAAAGCAGGGCCCCTGCCGGATGTCTGCAG[A>G]GAACAATGGGAAAGACAACGGTCACTCCAGGAGGCTGGTTTGGGGGCAAAGACTGAGCTT-3'

ClinVar aggregate classification (germline): Benign. Review status: criteria provided, single submitter (1 of 4 stars). 2 submissions from 2 submitters: Benign (1). 1 of the submissions does not count toward it. Last evaluated 2026-02-01.

Conditions:
FBN3-related disorder. Also called: FBN3-related condition.

Allele frequency attached by ClinVar (database versions not stated): gnomAD exomes 0.00030 and 0.00079; ExAC 0.00223; ESP Exome Variant Server 0.00301; gnomAD 0.00316 and 0.00340; TOPMed 0.00351; 1000 Genomes Project 0.00459; 1000 Genomes Project 30x 0.00515.
gnomAD v4.1: 894 of 1,540,698 alleles (0.058%); highest among the groups gnomAD compares: African/African-American, 1.2%; 3 homozygotes.

Submissions (2):

Labcorp Genetics (formerly Invitae), Labcorp
Classification: Benign. Last evaluated: 2026-02-01. Review status: criteria provided, single submitter. Criteria: Invitae Variant Classification Sherloc (09022015). Collection method: clinical testing. Allele origin: germline.

PreventionGenetics, part of Exact Sciences
Classification: Benign for FBN3-related condition. Last evaluated: 2019-02-18. Review status: no assertion criteria provided. Collection method: clinical testing. Allele origin: germline. Not counted in ClinVar's aggregate classification.
Comment: This variant is classified as benign based on ACMG/AMP sequence variant interpretation guidelines (Richards et al. 2015 PMID: 25741868, with internal and published modifications).